The following is an entry in ClinVar:

NM_002473.6(MYH9):c.1161A>C (p.Arg387Ser)

Gene: MYH9 (myosin heavy chain 9; minus strand). Cytogenetic location: 22q12.3.
Variant type: single nucleotide variant.
Coding change: c.1161A>C on transcript NM_002473.6 (MANE Select); coding-DNA position 1161, A replaced by C.
Protein change: p.Arg387Ser; replaces arginine 387 with serine.
Molecular consequence: missense variant.
Genome position (GRCh38, 1-based): chr22:36,318,273, T>G on the plus strand (A>C on the coding strand, the complement: MYH9 is on the minus strand). VCF-style: chr22-36318273-T-G. GRCh37 (hg19) VCF-style: chr22-36714318-T-G.
Other names: short protein forms R387S.
Identifiers: ClinVar variation 3368230 (VCV003368230.3).

ClinVar aggregate classification (germline): Uncertain significance. Review status: criteria provided, multiple submitters, no conflicts (2 of 4 stars). 2 submissions from 2 submitters: Uncertain significance (2). Last evaluated 2025-09-03.

gnomAD v4.1: 2 of 1,614,198 alleles (0.00012%); highest among the groups gnomAD compares: Non-Finnish European, 0.00017%; no homozygotes.

Submissions (2):

Labcorp Genetics (formerly Invitae), Labcorp
Classification: Uncertain significance. Last evaluated: 2025-09-03. Review status: criteria provided, single submitter. Criteria: Invitae Variant Classification Sherloc (09022015). Collection method: clinical testing. Allele origin: germline.
Comment: This sequence change replaces arginine, which is basic and polar, with serine, which is neutral and polar, at codon 387 of the MYH9 protein (p.Arg387Ser). This variant is present in population databases (no rsID available, gnomAD 0.0009%). This variant has not been reported in the literature in individuals affected with MYH9-related conditions. ClinVar contains an entry for this variant (Variation ID: 3368230). Invitae Evidence Modeling of protein sequence and biophysical properties (such as structural, functional, and spatial information, amino acid conservation, physicochemical variation, residue mobility, and thermodynamic stability) indicates that this missense variant is not expected to disrupt MYH9 protein function with a negative predictive value of 80%. In summary, the available evidence is currently insufficient to determine the role of this variant in disease. Therefore, it has been classified as a Variant of Uncertain Significance.

GeneDx
Classification: Uncertain significance. Last evaluated: 2024-01-25. Review status: criteria provided, single submitter. Criteria: GeneDx Variant Classification Process June 2021. Collection method: clinical testing. Allele origin: germline. Affected: yes.
Comment: Not observed at significant frequency in large population cohorts (gnomAD); In silico analysis supports that this missense variant has a deleterious effect on protein structure/function; Has not been previously published as pathogenic or benign to our knowledge